The following is an entry in ClinVar:

NM_000302.4(PLOD1):c.1430T>C (p.Leu477Pro)

Gene: PLOD1 (procollagen-lysine,2-oxoglutarate 5-dioxygenase 1; plus strand). Cytogenetic location: 1p36.22.
Variant type: single nucleotide variant.
Coding change: c.1430T>C on transcript NM_000302.4 (MANE Select); coding-DNA position 1430, T replaced by C.
Protein change: p.Leu477Pro; replaces leucine 477 with proline.
Molecular consequence: missense variant.
Genome position (GRCh38, 1-based): chr1:11,964,745, T>C. VCF-style: chr1-11964745-T-C. GRCh37 (hg19) VCF-style: chr1-12024802-T-C.
Other names: c.1571T>C, p.Leu524Pro (NM_001316320.2); short protein forms L477P, L524P.
Identifiers: ClinVar variation 1392938 (VCV001392938.5), dbSNP rs2100758364, ClinGen allele CA338443764.
Genomic context (GRCh38, chr1:11,964,745, plus strand): 5'-TCAAGGGCAGTGCCCTGCGGGGTGAGCTGCAGTCCTCAGATCTCTTCCACCACAGCAAGC[T>C]GGACCCCGACATGGCCTTCTGTGCCAACATCCGGCAGCAGGTCAGCCAGGAGCGGGCAGC-3'
Protein context (NP_000293.2, residues 467-487): QSSDLFHHSK[Leu477Pro]DPDMAFCANI

ClinVar aggregate classification (germline): Uncertain significance (1 of 4 stars; one submission).

Conditions:
Ehlers-Danlos syndrome, kyphoscoliotic type 1 (EDSKSCL1). Also called: EHLERS-DANLOS SYNDROME, OCULAR-SCOLIOTIC TYPE; Ehlers-Danlos syndrome, hydroxylysine-deficient; EHLERS-DANLOS SYNDROME, TYPE VIA; PLOD1-Related Kyphoscoliotic Ehlers-Danlos Syndrome. Identifiers: Orphanet 1900, MedGen C0268342, MONDO:0016002, OMIM 225400. Disease mechanism: loss of function.

Submission:

Labcorp Genetics (formerly Invitae), Labcorp
Classification: Uncertain significance for Ehlers-Danlos syndrome, kyphoscoliotic type 1. Last evaluated: 2021-09-01. Review status: criteria provided, single submitter. Criteria: Invitae Variant Classification Sherloc (09022015). Collection method: clinical testing. Allele origin: germline.
Comment: This sequence change replaces leucine with proline at codon 477 of the PLOD1 protein (p.Leu477Pro). The leucine residue is highly conserved and there is a moderate physicochemical difference between leucine and proline. This variant is not present in population databases (ExAC no frequency). This variant has not been reported in the literature in individuals affected with PLOD1-related conditions. Algorithms developed to predict the effect of missense changes on protein structure and function (SIFT, PolyPhen-2, Align-GVGD) all suggest that this variant is likely to be disruptive. In summary, the available evidence is currently insufficient to determine the role of this variant in disease. Therefore, it has been classified as a Variant of Uncertain Significance.